The following is an entry in ClinVar:

ClinVar aggregate classification (germline): Benign/Likely benign. Review status: criteria provided, multiple submitters, no conflicts (2 of 4 stars). 5 submissions from 5 submitters: Benign (3); Likely benign (1). 1 of the submissions does not count toward it. Last evaluated 2026-01-19.

Conditions:
SGCE-related disorder. Also called: SGCE-related condition.
Myoclonic dystonia 11 (DYT11). Also called: DYT-SGCE; Myoclonic dystonia; SGCE Myoclonus-Dystonia; Myoclonus-Dystonia; Dystonia 11; Dystonia, alcohol responsive. Identifiers: Orphanet 36899, MedGen C1834570, MONDO:0008044, OMIM 159900.

Submissions (5):

Labcorp Genetics (formerly Invitae), Labcorp
Classification: Benign for Myoclonic dystonia 11. Last evaluated: 2026-01-19. Review status: criteria provided, single submitter. Criteria: Invitae Variant Classification Sherloc (09022015). Collection method: clinical testing. Allele origin: germline.

CeGaT Center for Human Genetics Tuebingen
Classification: Likely benign. Last evaluated: 2024-06-01. Review status: criteria provided, single submitter. Criteria: CeGaT Center For Human Genetics Tuebingen Variant Classification Criteria Version 2. Collection method: clinical testing. Allele origin: germline. Affected: yes. Observed: 1 variant allele.
Comment: SGCE: BP4, BS1

Athena Diagnostics
Classification: Benign. Last evaluated: 2024-03-11. Review status: criteria provided, single submitter. Criteria: Athena Diagnostics Criteria. Collection method: clinical testing. Allele origin: unknown.

GeneDx
Classification: Benign. Last evaluated: 2020-05-06. Review status: criteria provided, single submitter. Criteria: GeneDx Variant Classification Process June 2021. Collection method: clinical testing. Allele origin: germline. Affected: yes.

PreventionGenetics, part of Exact Sciences
Classification: Benign for SGCE-related condition. Last evaluated: 2019-03-13. Review status: no assertion criteria provided. Collection method: clinical testing. Allele origin: germline. Not counted in ClinVar's aggregate classification.
Comment: This variant is classified as benign based on ACMG/AMP sequence variant interpretation guidelines (Richards et al. 2015 PMID: 25741868, with internal and published modifications).

NM_003919.3(SGCE):c.1254-9_1254-7del

Genes: CASD1 (CAS1 domain sialic acid O acetyltransferase 1; plus strand), SGCE (sarcoglycan epsilon; minus strand). Cytogenetic location: 7q21.3.
Variant type: Microsatellite.
Coding change: c.1254-9_1254-7del on transcript NM_003919.3 (MANE Select); 9 bases into the intron before coding-DNA position 1254 through 7 bases into the intron before coding-DNA position 1254, 3 bases deleted (CAT; older notation c.1254-9_1254-7delCAT).
Molecular consequence: intron variant.
Genome position (GRCh38, 1-based): chr7:94,588,739-94,588,741, ATG deleted on the plus strand (CAT on the coding strand, the reverse complement: SGCE is on the minus strand); deleting any 3 consecutive bases within chr7:94,588,739-94,588,745 gives the same sequence; the c. name uses the placement nearest the transcript's 3' end. VCF-style (leftmost placement, unchanged base first): chr7-94588738-AATG-A. GRCh37 (hg19) VCF-style: chr7-94218050-AATG-A.
Other names: c.1104-9_1104-7del (NM_001362809.2); c.1131-9_1131-7del (NM_001301139.2); c.1227-9_1227-7del (NM_001346717.2, NM_001099400.2); c.1329-9_1329-7del (NM_001099401.2); c.1335-9_1335-7del (NM_001346715.2); c.1362-9_1362-7del (NM_001346713.2); c.1140-9_1140-7del (NM_001362807.2); c.954-9_954-7del (NM_001362808.2); and 3 more.
Identifiers: ClinVar variation 448355 (VCV000448355.33), dbSNP rs201696689, ClinGen allele CA4348578.
Genomic context (GRCh38, chr7:94,588,738, plus strand): 5'-TTAGCACTCACCTGTAGTCTGCTGTTGGGGAATCTGAGTCTGATGTGGCAAGTTCCTAGA[AATG>A]ATGAACATTTTTGAGTAAAACTGTTTGTTTACACACTTGTAAACAGAGAGCAGACATACT-3'